The following is an entry in ClinVar:

NM_005422.4(TECTA):c.625-4G>T

Genes: TBCEL-TECTA (TBCEL-TECTA readthrough; plus strand), TECTA (tectorin alpha; plus strand). Cytogenetic location: 11q23.3.
Variant type: single nucleotide variant.
Coding change: c.625-4G>T on transcript NM_005422.4 (MANE Select); 4 bases into the intron before coding-DNA position 625, G replaced by T.
Molecular consequence: intron variant.
Genome position (GRCh38, 1-based): chr11:121,113,549, G>T. VCF-style: chr11-121113549-G-T. GRCh37 (hg19) VCF-style: chr11-120984258-G-T.
Other names: c.1582-4G>T (NM_001378761.1).
Identifiers: ClinVar variation 227095 (VCV000227095.18), dbSNP rs142007879, ClinGen allele CA6326564.

ClinVar aggregate classification (germline): Conflicting classifications of pathogenicity. Review status: criteria provided, conflicting classifications (1 of 4 stars). 4 submissions from 4 submitters: Uncertain significance (1); Benign (2); Likely benign (1). Last evaluated 2026-02-18.

Conditions:
TECTA-related disorder. Also called: TECTA-related condition.

Allele frequency attached by ClinVar (database versions not stated): gnomAD exomes 0.00012 and 0.00036; ExAC 0.00048; gnomAD 0.00137 and 0.00146; TOPMed 0.00142; 1000 Genomes Project 30x 0.00172; 1000 Genomes Project 0.00180; ESP Exome Variant Server 0.00200.
gnomAD v4.1: 388 of 1,614,014 alleles (0.024%); highest among the groups gnomAD compares: African/African-American, 0.45%; 1 homozygote.

Submissions (4):

PreventionGenetics, part of Exact Sciences
Classification: Likely benign for TECTA-related condition. Last evaluated: 2026-02-18. Review status: criteria provided, single submitter. Criteria: ACMG Guidelines, 2015. Collection method: clinical testing. Allele origin: germline.
Comment: This variant is classified as likely benign based on ACMG/AMP sequence variant interpretation guidelines (Richards et al. 2015 PMID: 25741868, with internal and published modifications).

Labcorp Genetics (formerly Invitae), Labcorp
Classification: Benign. Last evaluated: 2025-07-10. Review status: criteria provided, single submitter. Criteria: Invitae Variant Classification Sherloc (09022015). Collection method: clinical testing. Allele origin: germline.

GeneDx
Classification: Uncertain significance. Last evaluated: 2022-05-10. Review status: criteria provided, single submitter. Criteria: GeneDx Variant Classification Process June 2021. Collection method: clinical testing. Allele origin: germline. Affected: yes.
Comment: In silico analysis, which includes splice predictors and evolutionary conservation, suggests this variant may impact gene splicing. In the absence of RNA/functional studies, the actual effect of this sequence change is unknown.; Has not been previously published as pathogenic or benign to our knowledge

Laboratory for Molecular Medicine, Mass General Brigham Personalized Medicine
Classification: Benign. Last evaluated: 2012-04-30. Review status: criteria provided, single submitter. Criteria: LMM Criteria. Collection method: clinical testing. Allele origin: germline. Observed: 2 variant alleles.
Comment: 625-4G>T in Intron 04 of TECTA: This variant is not expected to have clinical si gnificance because it is not located within the conserved splice consensus seque nce and has been identified in 0.6% (21/3738) of African American chromosomes fr om a broad population by the NHLBI Exome Sequencing Project (dbSNP rs142007879).